The following is an entry in ClinVar:

NM_206926.2(SELENON):c.59C>T (p.Pro20Leu)

Gene: SELENON (selenoprotein N; plus strand). Cytogenetic location: 1p36.11.
Variant type: single nucleotide variant.
Coding change: c.59C>T on transcript NM_206926.2 (MANE Select); coding-DNA position 59, C replaced by T.
Protein change: p.Pro20Leu; replaces proline 20 with leucine.
Molecular consequence: missense variant.
Genome position (GRCh38, 1-based): chr1:25,800,289, C>T. VCF-style: chr1-25800289-C-T. GRCh37 (hg19) VCF-style: chr1-26126780-C-T.
Other names: c.59C>T (NM_020451.2); c.59C>T, p.Pro20Leu (NM_020451.3); short protein forms P20L.
Identifiers: ClinVar variation 2764694 (VCV002764694.6), dbSNP rs1050852336, ClinGen allele CA19693140.

ClinVar aggregate classification (germline): Conflicting classifications of pathogenicity. Review status: criteria provided, conflicting classifications (1 of 4 stars). 4 submissions from 4 submitters: Uncertain significance (3); Likely benign (1). Last evaluated 2025-11-28.

Conditions:
Inborn genetic diseases. Identifiers: MedGen C0950123, MeSH D030342.
Eichsfeld type congenital muscular dystrophy (CMYO3). Also called: MYOPATHY, SEPN1-RELATED; SELENON-related myopathy; Congenital myopathy 3 with rigid spine; Rigid spine muscular dystrophy 1. Identifiers: MedGen C0410180, MONDO:0100100, OMIM 602771.

Allele frequency attached by ClinVar (database versions not stated): gnomAD 0.00008; TOPMed 0.00008.

Submissions (4):

Labcorp Genetics (formerly Invitae), Labcorp
Classification: Likely benign for Eichsfeld type congenital muscular dystrophy. Last evaluated: 2025-11-28. Review status: criteria provided, single submitter. Criteria: Invitae Variant Classification Sherloc (09022015). Collection method: clinical testing. Allele origin: germline.

GeneDx
Classification: Uncertain significance. Last evaluated: 2024-09-23. Review status: criteria provided, single submitter. Criteria: GeneDx Variant Classification Process June 2021. Collection method: clinical testing. Allele origin: germline. Affected: yes.
Comment: In silico analysis indicates that this missense variant does not alter protein structure/function; Has not been previously published as pathogenic or benign to our knowledge

Revvity Omics, Revvity
Classification: Uncertain significance for Eichsfeld type congenital muscular dystrophy. Last evaluated: 2024-03-06. Review status: criteria provided, single submitter. Criteria: ACMG Guidelines, 2015. Collection method: clinical testing. Allele origin: germline.

Ambry Genetics
Classification: Uncertain significance for Inborn genetic diseases. Last evaluated: 2021-08-17. Review status: criteria provided, single submitter. Criteria: Ambry Variant Classification Scheme 2023. Collection method: clinical testing. Allele origin: germline.